The following is an entry in ClinVar:

NM_138711.6(PPARG):c.320T>C (p.Ile107Thr)

Gene: PPARG (peroxisome proliferator activated receptor gamma; plus strand). Cytogenetic location: 3p25.2.
Variant type: single nucleotide variant.
Coding change: c.320T>C on transcript NM_138711.6 (MANE Select); coding-DNA position 320, T replaced by C.
Protein change: p.Ile107Thr; replaces isoleucine 107 with threonine.
Molecular consequence: missense variant. On other transcripts: 5 prime UTR variant (1).
Genome position (GRCh38, 1-based): chr3:12,381,421, T>C. VCF-style: chr3-12381421-T-C. GRCh37 (hg19) VCF-style: chr3-12422920-T-C.
Other names: c.320T>C, p.Ile107Thr (NM_001330615.4, NM_001354666.3, NM_001354667.3 and 6 more transcripts); c.410T>C, p.Ile137Thr (NM_001354668.2, NM_001374265.1, NM_015869.5); c.-108T>C (NM_001354669.2); c.326T>C, p.Ile109Thr (NM_001354670.2, NM_001374266.1); short protein forms I137T, I109T, I107T.
Identifiers: ClinVar variation 4998132 (VCV004998132.1).

ClinVar aggregate classification (germline): Uncertain significance (1 of 4 stars; one submission).

Conditions:
PPARG-related disorder. Also called: PPARG-related disorders; PPARG-related condition.

Submission:

PreventionGenetics, part of Exact Sciences
Classification: Uncertain significance for PPARG-related condition. Last evaluated: 2025-01-17. Review status: criteria provided, single submitter. Criteria: ACMG Guidelines, 2015. Collection method: clinical testing. Allele origin: germline.
Comment: The PPARG c.410T>C variant is predicted to result in the amino acid substitution p.Ile137Thr. To our knowledge, this variant has not been reported in the literature or in a large population database (gnomAD), indicating this variant is rare. At this time, the clinical significance of this variant is uncertain due to the absence of conclusive functional and genetic evidence.